The following is an entry in ClinVar:

NM_000179.3(MSH6):c.1149G>T (p.Arg383Ser)

Gene: MSH6 (mutS homolog 6; plus strand). Cytogenetic location: 2p16.3.
Variant type: single nucleotide variant.
Coding change: c.1149G>T on transcript NM_000179.3 (MANE Select); coding-DNA position 1149, G replaced by T.
Protein change: p.Arg383Ser; replaces arginine 383 with serine.
Molecular consequence: missense variant.
Genome position (GRCh38, 1-based): chr2:47,799,132, G>T. VCF-style: chr2-47799132-G-T. GRCh37 (hg19) VCF-style: chr2-48026271-G-T.
Other names: c.759G>T, p.Arg253Ser (NM_001281492.2); c.243G>T, p.Arg81Ser (NM_001281493.2, NM_001281494.2); short protein forms R383S, R253S, R81S.
Identifiers: ClinVar variation 410437 (VCV000410437.10), dbSNP rs749800983, ClinGen allele CA16610954.

ClinVar aggregate classification (germline): Uncertain significance (1 of 4 stars; one submission).

Conditions:
Hereditary nonpolyposis colorectal neoplasms. Identifiers: MedGen C0009405, MeSH D003123.

Submissions (2):

Labcorp Genetics (formerly Invitae), Labcorp
Classification: Uncertain significance for Hereditary nonpolyposis colorectal neoplasms. Last evaluated: 2023-09-21. Review status: criteria provided, single submitter. Criteria: Invitae Variant Classification Sherloc (09022015). Collection method: clinical testing. Allele origin: germline.
Comment: This sequence change replaces arginine, which is basic and polar, with serine, which is neutral and polar, at codon 383 of the MSH6 protein (p.Arg383Ser). This variant is not present in population databases (gnomAD no frequency). This variant has not been reported in the literature in individuals affected with MSH6-related conditions. ClinVar contains an entry for this variant (Variation ID: 410437). Advanced modeling of protein sequence and biophysical properties (such as structural, functional, and spatial information, amino acid conservation, physicochemical variation, residue mobility, and thermodynamic stability) performed at Invitae indicates that this missense variant is not expected to disrupt MSH6 protein function. In summary, the available evidence is currently insufficient to determine the role of this variant in disease. Therefore, it has been classified as a Variant of Uncertain Significance.

Dr. Peter K. Rogan Lab, Western University
No classification provided (evidence only). Condition: Malignant tumor of urinary bladder. Review status: no classification provided. Collection method: in vitro. Allele origin: not applicable. Functional consequence: skipped exon. Not counted in ClinVar's aggregate classification.